The following is an entry in ClinVar:

NM_001035.3(RYR2):c.10562del (p.Asp3521fs)

Gene: RYR2 (ryanodine receptor 2; plus strand). Cytogenetic location: 1q43.
Variant type: Deletion.
Coding change: c.10562del on transcript NM_001035.3 (MANE Select); coding-DNA position 10562, one base deleted (A; older notation c.10562delA).
Protein change: p.Asp3521fs; shifts the reading frame from aspartic acid 3521.
Molecular consequence: frameshift variant.
Genome position (GRCh38, 1-based): chr1:237,723,135, A deleted. VCF-style (leftmost placement, unchanged base first): chr1-237723134-GA-G. GRCh37 (hg19) VCF-style: chr1-237886434-GA-G.
Other names: short protein forms D3521fs.
Identifiers: ClinVar variation 1806528 (VCV001806528.3), dbSNP rs2547478763, ClinGen allele CA2580062418.

ClinVar aggregate classification (germline): Uncertain significance (1 of 4 stars; one submission).

Submission:

GeneDx
Classification: Uncertain significance. Last evaluated: 2025-04-23. Review status: criteria provided, single submitter. Criteria: GeneDx Variant Classification Process June 2021. Collection method: clinical testing. Allele origin: germline. Affected: yes.
Comment: Not observed at significant frequency in large population cohorts (gnomAD); Has not been previously published as pathogenic or benign to our knowledge; Frameshift variant predicted to result in protein truncation or nonsense mediated decay in a gene for which loss-of-function is not a known mechanism of disease